The following is an entry in ClinVar:

ClinVar aggregate classification (germline): Uncertain significance (1 of 4 stars; one submission).

Conditions:
Breast-ovarian cancer, familial, susceptibility to, 4. Identifiers: Orphanet 145, MedGen C3280345, MONDO:0013669, OMIM 614291.

Submission:

Labcorp Genetics (formerly Invitae), Labcorp
Classification: Uncertain significance for Breast-ovarian cancer, familial, susceptibility to, 4. Last evaluated: 2023-02-08. Review status: criteria provided, single submitter. Criteria: Invitae Variant Classification Sherloc (09022015). Collection method: clinical testing. Allele origin: germline.
Comment: In summary, the available evidence is currently insufficient to determine the role of this variant in disease. Therefore, it has been classified as a Variant of Uncertain Significance. Algorithms developed to predict the effect of missense changes on protein structure and function (SIFT, PolyPhen-2, Align-GVGD) all suggest that this variant is likely to be tolerated. This variant has not been reported in the literature in individuals affected with RAD51D-related conditions. This variant is not present in population databases (gnomAD no frequency). This sequence change replaces leucine, which is neutral and non-polar, with valine, which is neutral and non-polar, at codon 45 of the RAD51D protein (p.Leu45Val).

NM_002878.4(RAD51D):c.133T>G (p.Leu45Val)

Genes: RAD51D (RAD51 paralog D; minus strand), RAD51L3-RFFL (RAD51L3-RFFL readthrough; minus strand). Cytogenetic location: 17q12.
Variant type: single nucleotide variant.
Coding change: c.133T>G on transcript NM_002878.4 (MANE Select); coding-DNA position 133, T replaced by G.
Protein change: p.Leu45Val; replaces leucine 45 with valine.
Molecular consequence: missense variant. On other transcripts: non-coding transcript variant (2).
Genome position (GRCh38, 1-based): chr17:35,119,122, A>C on the plus strand (T>G on the coding strand, the complement: RAD51D is on the minus strand). VCF-style: chr17-35119122-A-C. GRCh37 (hg19) VCF-style: chr17-33446141-A-C.
Other names: c.133T>G, p.Leu45Val (NM_001142571.2, NM_133629.3); short protein forms L45V.
Identifiers: ClinVar variation 2871772 (VCV002871772.1), dbSNP rs2142477257, ClinGen allele CA399091790.